The following is an entry in ClinVar:

NM_003482.4(KMT2D):c.4202C>G (p.Ser1401Cys)

Gene: KMT2D (lysine methyltransferase 2D; minus strand). Cytogenetic location: 12q13.12.
Variant type: single nucleotide variant.
Coding change: c.4202C>G on transcript NM_003482.4 (MANE Select); coding-DNA position 4202, C replaced by G.
Protein change: p.Ser1401Cys; replaces serine 1401 with cysteine.
Molecular consequence: missense variant.
Genome position (GRCh38, 1-based): chr12:49,047,999, G>C on the plus strand (C>G on the coding strand, the complement: KMT2D is on the minus strand). VCF-style: chr12-49047999-G-C. GRCh37 (hg19) VCF-style: chr12-49441782-G-C.
Other names: short protein forms S1401C.
Identifiers: ClinVar variation 1303690 (VCV001303690.2), dbSNP rs1214991700, ClinGen allele CA384649306.

ClinVar aggregate classification (germline): Uncertain significance (1 of 4 stars; one submission).

Allele frequency attached by ClinVar (database versions not stated): gnomAD exomes below 0.00001; TOPMed 0.00001.
gnomAD v4.1: 1 of 1,613,550 alleles (0.000062%); highest among the groups gnomAD compares: Non-Finnish European, 0.000085%; no homozygotes.

Submission:

GeneDx
Classification: Uncertain significance. Last evaluated: 2020-05-04. Review status: criteria provided, single submitter. Criteria: GeneDx Variant Classification Process June 2021. Collection method: clinical testing. Allele origin: germline. Affected: yes.
Comment: Not observed in large population cohorts (Lek et al., 2016); In silico analysis supports that this missense variant has a deleterious effect on protein structure/function; Has not been previously published as pathogenic or benign to our knowledge